The following is an entry in ClinVar:

NM_020320.5(RARS2):c.1416-1G>A

Gene: RARS2 (arginyl-tRNA synthetase 2, mitochondrial; minus strand). Cytogenetic location: 6q15.
Variant type: single nucleotide variant.
Coding change: c.1416-1G>A on transcript NM_020320.5 (MANE Select); the canonical splice acceptor site of the intron before coding-DNA position 1416, G replaced by A.
Molecular consequence: splice acceptor variant.
Genome position (GRCh38, 1-based): chr6:87,518,265, C>T on the plus strand (G>A on the coding strand, the complement: RARS2 is on the minus strand). VCF-style: chr6-87518265-C-T. GRCh37 (hg19) VCF-style: chr6-88227983-C-T.
Other names: c.1416-1G>A (NM_001350505.2); c.891-1G>A (NM_001350509.2, NM_001318785.2, NM_001350506.2 and 4 more transcripts).
Identifiers: ClinVar variation 2021570 (VCV002021570.4), dbSNP rs762630866, ClinGen allele CA364921312.

ClinVar aggregate classification (germline): Likely pathogenic (1 of 4 stars; one submission).

Submission:

Labcorp Genetics (formerly Invitae), Labcorp
Classification: Likely pathogenic. Last evaluated: 2022-08-04. Review status: criteria provided, single submitter. Criteria: Invitae Variant Classification Sherloc (09022015). Collection method: clinical testing. Allele origin: germline.
Comment: This variant is not present in population databases (gnomAD no frequency). This sequence change affects an acceptor splice site in intron 16 of the RARS2 gene. It is expected to disrupt RNA splicing. Variants that disrupt the donor or acceptor splice site typically lead to a loss of protein function (PMID: 16199547), and loss-of-function variants in RARS2 are known to be pathogenic (PMID: 17847012, 22569581, 26083569). This variant has not been reported in the literature in individuals affected with RARS2-related conditions. In summary, the currently available evidence indicates that the variant is pathogenic, but additional data are needed to prove that conclusively. Therefore, this variant has been classified as Likely Pathogenic. Algorithms developed to predict the effect of sequence changes on RNA splicing suggest that this variant may disrupt the consensus splice site.

Literature cited by the submitters: PubMed 16199547; PubMed 17847012; PubMed 22569581; PubMed 26083569.